The following is an entry in ClinVar:

ClinVar aggregate classification (germline): Uncertain significance (1 of 4 stars; one submission).

gnomAD v4.1: 2 of 1,562,302 alleles (0.00013%); highest among the groups gnomAD compares: Admixed American, 0.0019%; no homozygotes.

Submission:

Labcorp Genetics (formerly Invitae), Labcorp
Classification: Uncertain significance. Last evaluated: 2024-06-21. Review status: criteria provided, single submitter. Criteria: Invitae Variant Classification Sherloc (09022015). Collection method: clinical testing. Allele origin: germline.
Comment: This sequence change replaces valine, which is neutral and non-polar, with isoleucine, which is neutral and non-polar, at codon 315 of the DNA2 protein (p.Val315Ile). This variant is present in population databases (no rsID available, gnomAD 0.004%). This variant has not been reported in the literature in individuals affected with DNA2-related conditions. Advanced modeling of protein sequence and biophysical properties (such as structural, functional, and spatial information, amino acid conservation, physicochemical variation, residue mobility, and thermodynamic stability) performed at Invitae indicates that this missense variant is not expected to disrupt DNA2 protein function with a negative predictive value of 80%. In summary, the available evidence is currently insufficient to determine the role of this variant in disease. Therefore, it has been classified as a Variant of Uncertain Significance.

NM_001080449.3(DNA2):c.943G>A (p.Val315Ile)

Gene: DNA2 (DNA replication helicase/nuclease 2; minus strand). Cytogenetic location: 10q21.3.
Variant type: single nucleotide variant.
Coding change: c.943G>A on transcript NM_001080449.3 (MANE Select); coding-DNA position 943, G replaced by A.
Protein change: p.Val315Ile; replaces valine 315 with isoleucine.
Molecular consequence: missense variant. On other transcripts: non-coding transcript variant (1).
Genome position (GRCh38, 1-based): chr10:68,446,410, C>T on the plus strand (G>A on the coding strand, the complement: DNA2 is on the minus strand). VCF-style: chr10-68446410-C-T. GRCh37 (hg19) VCF-style: chr10-70206167-C-T.
Other names: short protein forms V315I.
Identifiers: ClinVar variation 3655390 (VCV003655390.2).